The following is an entry in ClinVar:

NM_014795.4(ZEB2):c.3625A>G (p.Asn1209Asp)

Gene: ZEB2 (zinc finger E-box binding homeobox 2; minus strand). Cytogenetic location: 2q22.3.
Variant type: single nucleotide variant.
Coding change: c.3625A>G on transcript NM_014795.4 (MANE Select); coding-DNA position 3625, A replaced by G.
Protein change: p.Asn1209Asp; replaces asparagine 1209 with aspartic acid.
Molecular consequence: missense variant.
Genome position (GRCh38, 1-based): chr2:144,389,471, T>C on the plus strand (A>G on the coding strand, the complement: ZEB2 is on the minus strand). VCF-style: chr2-144389471-T-C. GRCh37 (hg19) VCF-style: chr2-145147038-T-C.
Other names: c.3553A>G, p.Asn1185Asp (NM_001171653.2); short protein forms N1185D, N1209D.
Identifiers: ClinVar variation 1717718 (VCV001717718.5), dbSNP rs1266457259, ClinGen allele CA348698584.

ClinVar aggregate classification (germline): Uncertain significance (1 of 4 stars; one submission).

Conditions:
Mowat-Wilson syndrome (MOWS). Also called: Classic Mowat-Wilson Syndrome. Identifiers: Orphanet 2152, MedGen C1856113, MONDO:0009341, OMIM 235730.

Allele frequency attached by ClinVar (database versions not stated): TOPMed below 0.00001.

Submission:

Labcorp Genetics (formerly Invitae), Labcorp
Classification: Uncertain significance for Mowat-Wilson syndrome. Last evaluated: 2022-09-04. Review status: criteria provided, single submitter. Criteria: Invitae Variant Classification Sherloc (09022015). Collection method: clinical testing. Allele origin: germline.
Comment: This sequence change replaces asparagine, which is neutral and polar, with aspartic acid, which is acidic and polar, at codon 1209 of the ZEB2 protein (p.Asn1209Asp). This variant is not present in population databases (gnomAD no frequency). This variant has not been reported in the literature in individuals affected with ZEB2-related conditions. Algorithms developed to predict the effect of missense changes on protein structure and function (SIFT, PolyPhen-2, Align-GVGD) all suggest that this variant is likely to be tolerated. In summary, the available evidence is currently insufficient to determine the role of this variant in disease. Therefore, it has been classified as a Variant of Uncertain Significance.